The following is an entry in ClinVar:

ClinVar aggregate classification (germline): Uncertain significance. Review status: criteria provided, single submitter (1 of 4 stars). 2 submissions from 2 submitters: Uncertain significance (1). 1 of the submissions does not count toward it. Last evaluated 2022-10-13.

Conditions:
Autosomal recessive osteopetrosis 1. Also called: TCIRG1-Related Autosomal Recessive Osteopetrosis; TCIRG1-Related Osteopetrosis; ALBERS-SCHONBERG DISEASE, AUTOSOMAL RECESSIVE. Identifiers: Orphanet 667, MedGen C1850127, MONDO:0009815, OMIM 259700.

Submissions (2):

Labcorp Genetics (formerly Invitae), Labcorp
Classification: Uncertain significance. Last evaluated: 2022-10-13. Review status: criteria provided, single submitter. Criteria: Invitae Variant Classification Sherloc (09022015). Collection method: clinical testing. Allele origin: germline.
Comment: This variant, c.752_754del, results in the deletion of 1 amino acid(s) of the TCIRG1 protein (p.Glu251del), but otherwise preserves the integrity of the reading frame. This variant is not present in population databases (gnomAD no frequency). This variant has not been reported in the literature in individuals affected with TCIRG1-related conditions. ClinVar contains an entry for this variant (Variation ID: 553791). Experimental studies and prediction algorithms are not available or were not evaluated, and the functional significance of this variant is currently unknown. Algorithms developed to predict the effect of sequence changes on RNA splicing suggest that this variant may disrupt the consensus splice site. In summary, the available evidence is currently insufficient to determine the role of this variant in disease. Therefore, it has been classified as a Variant of Uncertain Significance.

Counsyl
Classification: Uncertain significance for Autosomal recessive osteopetrosis 1. Last evaluated: 2017-09-07. Review status: no assertion criteria provided. Collection method: clinical testing. Allele origin: unknown. Not counted in ClinVar's aggregate classification.

NM_006019.4(TCIRG1):c.746AGG[2] (p.Glu251del)

Gene: TCIRG1 (T cell immune regulator 1, ATPase H+ transporting V0 subunit a3; plus strand). Cytogenetic location: 11q13.2.
Variant type: Microsatellite.
Coding change: c.746AGG[2] on transcript NM_006019.4 (MANE Select); two copies in a row of the 3-base unit AGG starting at c.746; the reference has three copies in a row; one copy, 3 bases deleted.
Protein change: p.Glu251del; deletes glutamic acid 251.
Molecular consequence: inframe deletion. On other transcripts: 5 prime UTR variant (1).
Genome position (GRCh38, 1-based): chr11:68,043,852-68,043,854, AGG deleted; deleting any 3 consecutive bases within chr11:68,043,846-68,043,854 gives the same sequence; the position shown is the placement nearest the transcript's 3' end. VCF-style (leftmost placement, unchanged base first): chr11-68043845-CAGG-C. GRCh37 (hg19) VCF-style: chr11-67811312-CAGG-C.
Other names: c.-149AGG[2] (NM_001351059.2); c.98AGG[2], p.Glu35del (NM_006053.4); short protein forms E251del, E35del.
Identifiers: ClinVar variation 553791 (VCV000553791.4), dbSNP rs1554995833, ClinGen allele CA658821821.